The following is an entry in ClinVar:

ClinVar aggregate classification (germline): Likely pathogenic (1 of 4 stars; one submission).

Conditions:
Alagille syndrome due to a JAG1 point mutation. Also called: Alagille Syndrome 1; HEPATIC DUCTULAR HYPOPLASIA, SYNDROMATIC; JAG1-Related Alagille Syndrome. Identifiers: Orphanet 261619, Orphanet 52, MedGen C1956125, MONDO:0016862, OMIM 118450.

Submission:

Labcorp Genetics (formerly Invitae), Labcorp
Classification: Likely pathogenic for Alagille syndrome due to a JAG1 point mutation. Last evaluated: 2022-10-17. Review status: criteria provided, single submitter. Criteria: Invitae Variant Classification Sherloc (09022015). Collection method: clinical testing. Allele origin: germline.
Comment: In summary, the currently available evidence indicates that the variant is pathogenic, but additional data are needed to prove that conclusively. Therefore, this variant has been classified as Likely Pathogenic. Algorithms developed to predict the effect of sequence changes on RNA splicing suggest that this variant may disrupt the consensus splice site. This variant has not been reported in the literature in individuals affected with JAG1-related conditions. This variant is not present in population databases (gnomAD no frequency). This sequence change affects an acceptor splice site in intron 16 of the JAG1 gene. It is expected to disrupt RNA splicing. Variants that disrupt the donor or acceptor splice site typically lead to a loss of protein function (PMID: 16199547), and loss-of-function variants in JAG1 are known to be pathogenic (PMID: 11180599).

Literature cited by the submitters: PubMed 16199547; PubMed 11180599.

NM_000214.3(JAG1):c.2114-2A>C

Gene: JAG1 (jagged canonical Notch ligand 1; minus strand). Cytogenetic location: 20p12.2.
Variant type: single nucleotide variant.
Coding change: c.2114-2A>C on transcript NM_000214.3 (MANE Select); the canonical splice acceptor site of the intron before coding-DNA position 2114, A replaced by C.
Molecular consequence: splice acceptor variant.
Genome position (GRCh38, 1-based): chr20:10,645,258, T>G on the plus strand (A>C on the coding strand, the complement: JAG1 is on the minus strand). VCF-style: chr20-10645258-T-G. GRCh37 (hg19) VCF-style: chr20-10625906-T-G.
Identifiers: ClinVar variation 2035866 (VCV002035866.4), dbSNP rs2514513412, ClinGen allele CA408235367.